The following is an entry in ClinVar:

NM_032856.5(WDR73):c.883+8C>T

Gene: WDR73 (WD repeat domain 73; minus strand). Cytogenetic location: 15q25.2.
Variant type: single nucleotide variant.
Coding change: c.883+8C>T on transcript NM_032856.5 (MANE Select); 8 bases into the intron after coding-DNA position 883, C replaced by T.
Molecular consequence: intron variant.
Genome position (GRCh38, 1-based): chr15:84,645,463, G>A on the plus strand (C>T on the coding strand, the complement: WDR73 is on the minus strand). VCF-style: chr15-84645463-G-A. GRCh37 (hg19) VCF-style: chr15-85188694-G-A.
Other names: p.?; c.883+8C>T (NM_032856.4).
Identifiers: ClinVar variation 784686 (VCV000784686.37), dbSNP rs200133030, ClinGen allele CA7707238.

ClinVar aggregate classification (germline): Benign/Likely benign. Review status: criteria provided, multiple submitters, no conflicts (2 of 4 stars). 6 submissions from 6 submitters: Benign (1); Likely benign (5). Last evaluated 2026-07-01.

Conditions:
Galloway-Mowat syndrome 1 (GAMOS1). Identifiers: Orphanet 2065, Orphanet 83472, MedGen C4551772, MONDO:0033005, OMIM 251300.

Allele frequency attached by ClinVar (database versions not stated): 1000 Genomes Project 30x 0.00031; 1000 Genomes Project 0.00040; gnomAD 0.00072 and 0.00073; TOPMed 0.00074; ESP Exome Variant Server 0.00082; gnomAD exomes 0.00097; ExAC 0.00140.
gnomAD v4.1: 1,707 of 1,611,162 alleles (0.11%); highest among the groups gnomAD compares: Non-Finnish European, 0.11%; 5 homozygotes.

Submissions (6):

CeGaT Center for Human Genetics Tuebingen
Classification: Likely benign. Last evaluated: 2026-07-01. Review status: criteria provided, single submitter. Criteria: CeGaT Center For Human Genetics Tuebingen Variant Classification Criteria Version 2. Collection method: clinical testing. Allele origin: germline. Affected: yes. Observed: 2 variant alleles.
Comment: WDR73: BP4

Labcorp Genetics (formerly Invitae), Labcorp
Classification: Benign. Last evaluated: 2025-12-19. Review status: criteria provided, single submitter. Criteria: Invitae Variant Classification Sherloc (09022015). Collection method: clinical testing. Allele origin: germline.

Laboratory of Genetics, Children's Clinical University Hospital Latvia
Classification: Likely benign. Last evaluated: 2025-02-16. Review status: criteria provided, single submitter. Criteria: ACMG Guidelines, 2015. Collection method: clinical testing. Allele origin: germline. Affected: yes.

Mayo Clinic Laboratories, Mayo Clinic
Classification: Likely benign. Last evaluated: 2025-01-13. Review status: criteria provided, single submitter. Criteria: ACMG Guidelines, 2015. Collection method: clinical testing. Allele origin: germline. Observed: 2 variant alleles.
Comment: BS1, BP4, BP7

Blueprint Genetics
Classification: Likely benign. Last evaluated: 2024-11-27. Review status: criteria provided, single submitter. Criteria: ACMG Guidelines, 2015. Collection method: clinical testing. Allele origin: germline.

Fulgent Genetics
Classification: Likely benign for Galloway-Mowat syndrome 1. Last evaluated: 2021-09-08. Review status: criteria provided, single submitter. Criteria: ACMG Guidelines, 2015. Collection method: clinical testing. Allele origin: unknown.